The following is an entry in ClinVar:

NM_004747.4(DLG5):c.962G>A (p.Arg321Gln)

Gene: DLG5 (discs large MAGUK scaffold protein 5; minus strand). Cytogenetic location: 10q22.3.
Variant type: single nucleotide variant.
Coding change: c.962G>A on transcript NM_004747.4 (MANE Select); coding-DNA position 962, G replaced by A.
Protein change: p.Arg321Gln; replaces arginine 321 with glutamine.
Molecular consequence: missense variant.
Genome position (GRCh38, 1-based): chr10:77,843,609, C>T on the plus strand (G>A on the coding strand, the complement: DLG5 is on the minus strand). VCF-style: chr10-77843609-C-T. GRCh37 (hg19) VCF-style: chr10-79603367-C-T.
Other names: short protein forms R321Q.
Identifiers: ClinVar variation 4856949 (VCV004856949.2).

ClinVar aggregate classification (germline): Likely benign (1 of 4 stars; one submission).

gnomAD v4.1: 15 of 1,613,904 alleles (0.00093%); highest among the groups gnomAD compares: South Asian, 0.0022%; no homozygotes.

Submission:

Dasa
Classification: Likely benign. Last evaluated: 2025-11-08. Review status: criteria provided, single submitter. Criteria: DASA Assertion Criteria. Collection method: clinical testing. Allele origin: germline.
Comment: NM_004747.4(DLG5):c.962G>A (p.Arg321Gln) is a missense variant that results in the substitution of arginine with glutamine. Computational prediction algorithms are consistent with a benign effect. Therefore, based on the currently available evidence, this variant is classified as likely benign.